The following is an entry in ClinVar:

NM_032383.5(HPS3):c.1274G>A (p.Cys425Tyr)

Gene: HPS3 (HPS3 biogenesis of lysosomal organelles complex 2 subunit 1; plus strand). Cytogenetic location: 3q24.
Variant type: single nucleotide variant.
Coding change: c.1274G>A on transcript NM_032383.5 (MANE Select); coding-DNA position 1274, G replaced by A.
Protein change: p.Cys425Tyr; replaces cysteine 425 with tyrosine.
Molecular consequence: missense variant.
Genome position (GRCh38, 1-based): chr3:149,153,522, G>A. VCF-style: chr3-149153522-G-A. GRCh37 (hg19) VCF-style: chr3-148871309-G-A.
Other names: c.779G>A, p.Cys260Tyr (NM_001308258.2); short protein forms C260Y, C425Y.
Identifiers: ClinVar variation 3372594 (VCV003372594.2).

ClinVar aggregate classification (germline): Uncertain significance. Review status: criteria provided, multiple submitters, no conflicts (2 of 4 stars). 2 submissions from 2 submitters: Uncertain significance (2). Last evaluated 2025-06-03.

Conditions:
Inborn genetic diseases. Identifiers: MedGen C0950123, MeSH D030342.

Submissions (2):

Ambry Genetics
Classification: Uncertain significance for Inborn genetic diseases. Last evaluated: 2025-06-03. Review status: criteria provided, single submitter. Criteria: Ambry Variant Classification Scheme 2023. Collection method: clinical testing. Allele origin: germline.

GeneDx
Classification: Uncertain significance. Last evaluated: 2024-04-22. Review status: criteria provided, single submitter. Criteria: GeneDx Variant Classification Process June 2021. Collection method: clinical testing. Allele origin: germline. Affected: yes.
Comment: In silico analysis supports that this missense variant has a deleterious effect on protein structure/function; Has not been previously published as pathogenic or benign to our knowledge